The following is an entry in ClinVar:

ClinVar aggregate classification (germline): Uncertain significance (1 of 4 stars; one submission).

Conditions:
Idiopathic generalized epilepsy. Also called: EIG; Generalised epilepsy. Identifiers: MedGen C0270850, MONDO:0005579, OMIM 600669.

Submission:

Labcorp Genetics (formerly Invitae), Labcorp
Classification: Uncertain significance for Idiopathic generalized epilepsy. Last evaluated: 2022-07-30. Review status: criteria provided, single submitter. Criteria: Invitae Variant Classification Sherloc (09022015). Collection method: clinical testing. Allele origin: germline.
Comment: This variant is not present in population databases (gnomAD no frequency). This sequence change replaces alanine, which is neutral and non-polar, with glycine, which is neutral and non-polar, at codon 98 of the RBFOX1 protein (p.Ala98Gly). This variant has not been reported in the literature in individuals affected with RBFOX1-related conditions. ClinVar contains an entry for this variant (Variation ID: 529518). Algorithms developed to predict the effect of missense changes on protein structure and function (SIFT, PolyPhen-2, Align-GVGD) all suggest that this variant is likely to be tolerated. In summary, the available evidence is currently insufficient to determine the role of this variant in disease. Therefore, it has been classified as a Variant of Uncertain Significance.

NM_018723.4(RBFOX1):c.233C>G (p.Ala78Gly)

Gene: RBFOX1 (RNA binding fox-1 homolog 1; plus strand). Cytogenetic location: 16p13.3.
Variant type: single nucleotide variant.
Coding change: c.233C>G on transcript NM_018723.4 (MANE Select); coding-DNA position 233, C replaced by G.
Protein change: p.Ala78Gly; replaces alanine 78 with glycine.
Molecular consequence: missense variant.
Genome position (GRCh38, 1-based): chr16:7,518,352, C>G. VCF-style: chr16-7518352-C-G. GRCh37 (hg19) VCF-style: chr16-7568354-C-G.
Other names: c.233C>G, p.Ala78Gly (NM_001142333.2, NM_001142334.2, NM_001364800.2); c.362C>G, p.Ala121Gly (NM_001308117.1); c.293C>G, p.Ala98Gly (NM_145891.3, NM_145892.3, NM_145893.3); short protein forms A78G, A98G, A121G.
Identifiers: ClinVar variation 529518 (VCV000529518.9), dbSNP rs761205127, ClinGen allele CA394796697.